The following is an entry in ClinVar:

NM_020911.2(PLXNA4):c.1372-87045T>C

Gene: PLXNA4 (plexin A4; minus strand). Cytogenetic location: 7q32.3.
Variant type: single nucleotide variant.
Coding change: c.1372-87045T>C on transcript NM_020911.2 (MANE Select); 87045 bases into the intron before coding-DNA position 1372, T replaced by C.
Molecular consequence: intron variant. On other transcripts: missense variant (1).
Genome position (GRCh38, 1-based): chr7:132,385,267, A>G on the plus strand (T>C on the coding strand, the complement: PLXNA4 is on the minus strand). VCF-style: chr7-132385267-A-G. GRCh37 (hg19) VCF-style: chr7-132070026-A-G.
Other names: c.1400T>C, p.Leu467Pro (NM_001105543.2); c.1372-87045T>C (NM_001393897.1); short protein forms L467P.
Identifiers: ClinVar variation 4988168 (VCV004988168.1).

ClinVar aggregate classification (germline): Uncertain significance (1 of 4 stars; one submission).

Conditions:
PLXNA4-related disorder. Also called: PLXNA4-related condition.

Submission:

PreventionGenetics, part of Exact Sciences
Classification: Uncertain significance for PLXNA4-related condition. Last evaluated: 2025-08-13. Review status: criteria provided, single submitter. Criteria: ACMG Guidelines, 2015. Collection method: clinical testing. Allele origin: germline.
Comment: The PLXNA4 c.1400T>C variant is predicted to result in the amino acid substitution p.Leu467Pro. To our knowledge, this variant has not been reported in the literature or in a large population database (gnomAD), indicating this variant is rare. At this time, the clinical significance of this variant is uncertain due to the absence of conclusive functional and genetic evidence.